The following is an entry in ClinVar:

ClinVar aggregate classification (germline): Uncertain significance (1 of 4 stars; one submission).

Conditions:
Bethlem myopathy 1A. Also called: Bethlem myopathy 1; Bethlem Muscular Dystrophy; MYOPATHY, BENIGN CONGENITAL, WITH CONTRACTURES. Identifiers: Orphanet 610, MedGen CN029274, MONDO:0024530, OMIM 158810.

Submission:

Labcorp Genetics (formerly Invitae), Labcorp
Classification: Uncertain significance for Bethlem myopathy 1A. Last evaluated: 2025-04-17. Review status: criteria provided, single submitter. Criteria: Invitae Variant Classification Sherloc (09022015). Collection method: clinical testing. Allele origin: germline.
Comment: This sequence change replaces valine, which is neutral and non-polar, with glutamic acid, which is acidic and polar, at codon 1478 of the COL6A3 protein (p.Val1478Glu). This variant is not present in population databases (gnomAD no frequency). This variant has not been reported in the literature in individuals affected with COL6A3-related conditions. Invitae Evidence Modeling of protein sequence and biophysical properties (such as structural, functional, and spatial information, amino acid conservation, physicochemical variation, residue mobility, and thermodynamic stability) indicates that this missense variant is expected to disrupt COL6A3 protein function with a positive predictive value of 80%. In summary, the available evidence is currently insufficient to determine the role of this variant in disease. Therefore, it has been classified as a Variant of Uncertain Significance.

NM_004369.4(COL6A3):c.4433T>A (p.Val1478Glu)

Gene: COL6A3 (collagen type VI alpha 3 chain; minus strand). Cytogenetic location: 2q37.3.
Variant type: single nucleotide variant.
Coding change: c.4433T>A on transcript NM_004369.4 (MANE Select); coding-DNA position 4433, T replaced by A.
Protein change: p.Val1478Glu; replaces valine 1478 with glutamic acid.
Molecular consequence: missense variant.
Genome position (GRCh38, 1-based): chr2:237,369,030, A>T on the plus strand (T>A on the coding strand, the complement: COL6A3 is on the minus strand). VCF-style: chr2-237369030-A-T. GRCh37 (hg19) VCF-style: chr2-238277673-A-T.
Other names: c.2612T>A, p.Val871Glu (NM_057166.5); c.3815T>A, p.Val1272Glu (NM_057167.4); short protein forms V1478E, V871E, V1272E.
Identifiers: ClinVar variation 4750548 (VCV004750548.1).
Genomic context (GRCh38, chr2:237,369,030, plus strand): 5'-GGGGCCTGGGATCTGTAGGTTTTCAGATAGAATTCTGGGAAGACATCATTGCTGAACTGC[A>T]CGACCCCAACTCTCACTTTACTGGGGCCGATGTTGAGTCTTCGAACAATCCTGCTAACAA-3'
Protein context (NP_004360.2, residues 1468-1488): IGPSKVRVGV[Val1478Glu]QFSNDVFPEF